The following is an entry in ClinVar:

NM_001148.6(ANK2):c.6442G>T (p.Asp2148Tyr)

Gene: ANK2 (ankyrin 2; plus strand). Cytogenetic location: 4q26.
Variant type: single nucleotide variant.
Coding change: c.6442G>T on transcript NM_001148.6 (MANE Select); coding-DNA position 6442, G replaced by T.
Protein change: p.Asp2148Tyr; replaces aspartic acid 2148 with tyrosine.
Molecular consequence: missense variant. On other transcripts: intron variant (68).
Genome position (GRCh38, 1-based): chr4:113,355,060, G>T. VCF-style: chr4-113355060-G-T. GRCh37 (hg19) VCF-style: chr4-114276216-G-T.
Other names: c.6208G>T, p.Asp2070Tyr (NM_001386142.1); c.2842G>T, p.Asp948Tyr (NM_001386166.1); c.6583G>T, p.Asp2195Tyr (NM_001386174.1); c.6559G>T, p.Asp2187Tyr (NM_001386175.1); c.4411+4811G>T (NM_001386186.2, NM_001386148.2); c.4213+4811G>T (NM_001354269.3); c.4291+4811G>T (NM_001386187.2); c.4252+4811G>T (NM_001386147.1); and 35 more; short protein forms D2195Y, D948Y, D2070Y, D2187Y, D2148Y.
Identifiers: ClinVar variation 1485011 (VCV001485011.9), dbSNP rs1301230685, ClinGen allele CA357923840.
Genomic context (GRCh38, chr4:113,355,060, plus strand): 5'-CCAGATAGGAAAACCTCCACTGACTTCTCTGAGGTCATTAAGCAAGAGTTGGAAGACAAT[G>T]ACAAATACCAACAATTCCGCCTGAGTGAGGAGACAGAAAAGGCACAGCTTCACTTAGACC-3'
Protein context (NP_001139.3, residues 2138-2158): EVIKQELEDN[Asp2148Tyr]KYQQFRLSEE

ClinVar aggregate classification (germline): Uncertain significance. Review status: criteria provided, multiple submitters, no conflicts (2 of 4 stars). 2 submissions from 2 submitters: Uncertain significance (2). Last evaluated 2021-08-23.

Conditions:
Long QT syndrome (LQTS). Identifiers: MedGen C0023976, MeSH D008133, MONDO:0002442. Disease mechanism: loss of function. Inheritance: Various modes of inheritance.
Cardiac arrhythmia, ankyrin-B-related. Also called: ANKYRIN-B SYNDROME. Identifiers: Orphanet 101016, Orphanet 768, MedGen C1970119, MONDO:0010958, OMIM 600919.

Allele frequency attached by ClinVar (database versions not stated): gnomAD exomes below 0.00001 and 0.00001; 1000 Genomes Project 30x 0.00016.
gnomAD v4.1: 4 of 1,614,064 alleles (0.00025%); highest among the groups gnomAD compares: South Asian, 0.0033%; no homozygotes.

Submissions (2):

Fulgent Genetics
Classification: Uncertain significance for Cardiac arrhythmia, ankyrin-B-related. Last evaluated: 2021-08-23. Review status: criteria provided, single submitter. Criteria: ACMG Guidelines, 2015. Collection method: clinical testing. Allele origin: unknown.

Labcorp Genetics (formerly Invitae), Labcorp
Classification: Uncertain significance for Long QT syndrome. Last evaluated: 2021-04-16. Review status: criteria provided, single submitter. Criteria: Invitae Variant Classification Sherloc (09022015). Collection method: clinical testing. Allele origin: germline.
Comment: In summary, the available evidence is currently insufficient to determine the role of this variant in disease. Therefore, it has been classified as a Variant of Uncertain Significance. Algorithms developed to predict the effect of missense changes on protein structure and function are either unavailable or do not agree on the potential impact of this missense change (SIFT: "Deleterious"; PolyPhen-2: "Probably Damaging"; Align-GVGD: "Class C0"). This variant has not been reported in the literature in individuals with ANK2-related conditions. This variant is not present in population databases (ExAC no frequency). This sequence change replaces aspartic acid with tyrosine at codon 2148 of the ANK2 protein (p.Asp2148Tyr). The aspartic acid residue is moderately conserved and there is a large physicochemical difference between aspartic acid and tyrosine.